The following is an entry in ClinVar:

ClinVar aggregate classification (germline): Likely benign. Review status: criteria provided, single submitter (1 of 4 stars). 2 submissions from 2 submitters: Likely benign (1). 1 of the submissions does not count toward it. Last evaluated 2025-10-29.

Conditions:
TRMT5-related disorder. Also called: TRMT5-related condition.

Allele frequency attached by ClinVar (database versions not stated): gnomAD 0.00012 and 0.00014; gnomAD exomes 0.00013 and 0.00038; TOPMed 0.00026; ExAC 0.00039; 1000 Genomes Project 0.00060; 1000 Genomes Project 30x 0.00062.

Submissions (2):

Labcorp Genetics (formerly Invitae), Labcorp
Classification: Likely benign. Last evaluated: 2025-10-29. Review status: criteria provided, single submitter. Criteria: Invitae Variant Classification Sherloc (09022015). Collection method: clinical testing. Allele origin: germline.

PreventionGenetics, part of Exact Sciences
Classification: Likely benign for TRMT5-related condition. Last evaluated: 2020-05-11. Review status: no assertion criteria provided. Collection method: clinical testing. Allele origin: germline. Not counted in ClinVar's aggregate classification.
Comment: This variant is classified as likely benign based on ACMG/AMP sequence variant interpretation guidelines (Richards et al. 2015 PMID: 25741868, with internal and published modifications).

NM_020810.3(TRMT5):c.1192G>A (p.Ala398Thr)

Gene: TRMT5 (tRNA methyltransferase 5; minus strand). Cytogenetic location: 14q23.1.
Variant type: single nucleotide variant.
Coding change: c.1192G>A on transcript NM_020810.3 (MANE Select); coding-DNA position 1192, G replaced by A.
Protein change: p.Ala398Thr; replaces alanine 398 with threonine.
Molecular consequence: missense variant.
Genome position (GRCh38, 1-based): chr14:60,975,727, C>T on the plus strand (G>A on the coding strand, the complement: TRMT5 is on the minus strand). VCF-style: chr14-60975727-C-T. GRCh37 (hg19) VCF-style: chr14-61442445-C-T.
Other names: c.1276G>A, p.Ala426Thr (NM_001350253.1); c.1273G>A, p.Ala425Thr (NM_001350254.1); short protein forms A398T, A425T, A426T.
Identifiers: ClinVar variation 1588284 (VCV001588284.10), dbSNP rs79082734, ClinGen allele CA7213752.